The following is an entry in ClinVar:

ClinVar aggregate classification (germline): Uncertain significance (1 of 4 stars; one submission).

Allele frequency attached by ClinVar (database versions not stated): TOPMed below 0.00001; gnomAD 0.00001.
gnomAD v4.1: 29 of 1,522,200 alleles (0.0019%); highest among the groups gnomAD compares: Non-Finnish European, 0.0025%; no homozygotes.

Submission:

Labcorp Genetics (formerly Invitae), Labcorp
Classification: Uncertain significance. Last evaluated: 2025-06-29. Review status: criteria provided, single submitter. Criteria: Invitae Variant Classification Sherloc (09022015). Collection method: clinical testing. Allele origin: germline.
Comment: This sequence change replaces proline, which is neutral and non-polar, with leucine, which is neutral and non-polar, at codon 1140 of the GRIN2D protein (p.Pro1140Leu). The frequency data for this variant in the population databases is considered unreliable, as metrics indicate poor data quality at this position in the gnomAD database. This variant has not been reported in the literature in individuals affected with GRIN2D-related conditions. ClinVar contains an entry for this variant (Variation ID: 3003489). Invitae Evidence Modeling of protein sequence and biophysical properties (such as structural, functional, and spatial information, amino acid conservation, physicochemical variation, residue mobility, and thermodynamic stability) indicates that this missense variant is not expected to disrupt GRIN2D protein function with a negative predictive value of 95%. In summary, the available evidence is currently insufficient to determine the role of this variant in disease. Therefore, it has been classified as a Variant of Uncertain Significance.

NM_000836.4(GRIN2D):c.3419C>T (p.Pro1140Leu)

Gene: GRIN2D (glutamate ionotropic receptor NMDA type subunit 2D; plus strand). Cytogenetic location: 19q13.33.
Variant type: single nucleotide variant.
Coding change: c.3419C>T on transcript NM_000836.4 (MANE Select); coding-DNA position 3419, C replaced by T.
Protein change: p.Pro1140Leu; replaces proline 1140 with leucine.
Molecular consequence: missense variant.
Genome position (GRCh38, 1-based): chr19:48,443,345, C>T. VCF-style: chr19-48443345-C-T. GRCh37 (hg19) VCF-style: chr19-48946602-C-T.
Other names: short protein forms P1140L.
Identifiers: ClinVar variation 3003489 (VCV003003489.3), dbSNP rs1312748359, ClinGen allele CA406676134.
Genomic context (GRCh38, chr19:48,443,345, plus strand): 5'-GCCTGGGCGGCGCGTCGCTGGGCGGCCTGGAGCCCTGGTGGTTCGCCGACTTCCCTTACC[C>T]GTATGCCGAGCGCCTCGGGCCGCCGCCCGGCCGCTACTGGTCGGTCGACAAGCTCGGGGG-3'
Protein context (NP_000827.2, residues 1130-1150): EPWWFADFPY[Pro1140Leu]YAERLGPPPG